The following is an entry in ClinVar:

NM_145059.3(FCSK):c.289C>T (p.Arg97Ter)

Gene: FCSK (fucose kinase; plus strand). Cytogenetic location: 16q22.1.
Variant type: single nucleotide variant.
Coding change: c.289C>T on transcript NM_145059.3 (MANE Select); coding-DNA position 289, C replaced by T.
Protein change: p.Arg97Ter; replaces arginine 97 with a stop codon.
Molecular consequence: nonsense.
Genome position (GRCh38, 1-based): chr16:70,466,135, C>T. VCF-style: chr16-70466135-C-T. GRCh37 (hg19) VCF-style: chr16-70500038-C-T.
Other names: short protein forms R97*.
Identifiers: ClinVar variation 1909872 (VCV001909872.5), dbSNP rs772939990, ClinGen allele CA8142844.

ClinVar aggregate classification (germline): Uncertain significance (1 of 4 stars; one submission).

Allele frequency attached by ClinVar (database versions not stated): ExAC 0.00002; TOPMed 0.00003; gnomAD 0.00001.
gnomAD v4.1: 49 of 1,613,586 alleles (0.003%); highest among the groups gnomAD compares: Admixed American, 0.018%; no homozygotes.

Submission:

Labcorp Genetics (formerly Invitae), Labcorp
Classification: Uncertain significance. Last evaluated: 2025-02-24. Review status: criteria provided, single submitter. Criteria: Invitae Variant Classification Sherloc (09022015). Collection method: clinical testing. Allele origin: germline.
Comment: This sequence change creates a premature translational stop signal (p.Arg97*) in the FUK gene. It is expected to result in an absent or disrupted protein product. However, the current clinical and genetic evidence is not sufficient to establish whether loss-of-function variants in FUK cause disease. This variant is present in population databases (rs772939990, gnomAD 0.03%). This variant has not been reported in the literature in individuals affected with FUK-related conditions. ClinVar contains an entry for this variant (Variation ID: 1909872). Algorithms developed to predict the effect of sequence changes on RNA splicing suggest that this variant may disrupt the consensus splice site. In summary, the available evidence is currently insufficient to determine the role of this variant in disease. Therefore, it has been classified as a Variant of Uncertain Significance.